The following is an entry in ClinVar:

NM_002838.5(PTPRC):c.1834T>G (p.Leu612Val)

Gene: PTPRC (protein tyrosine phosphatase receptor type C; plus strand). Cytogenetic location: 1q32.1.
Variant type: single nucleotide variant.
Coding change: c.1834T>G on transcript NM_002838.5 (MANE Select); coding-DNA position 1834, T replaced by G.
Protein change: p.Leu612Val; replaces leucine 612 with valine.
Molecular consequence: missense variant.
Genome position (GRCh38, 1-based): chr1:198,729,141, T>G. VCF-style: chr1-198729141-T-G. GRCh37 (hg19) VCF-style: chr1-198698270-T-G.
Other names: c.1351T>G, p.Leu451Val (NM_080921.4); short protein forms L451V, L612V.
Identifiers: ClinVar variation 1011130 (VCV001011130.8), dbSNP rs1417282394, ClinGen allele CA344042201.

ClinVar aggregate classification (germline): Uncertain significance (1 of 4 stars; one submission).

Conditions:
Immunodeficiency 104. Also called: SCID, AUTOSOMAL RECESSIVE, T CELL-NEGATIVE, B CELL-POSITIVE, NK CELL-POSITIVE; Severe combined immunodeficiency, autosomal recessive, T cell-negative, B cell-positive, NK cell-positive; Severe Combined Immune Deficiency, Autosomal Recessive, TCell -Negative, B Cell-Positive, NK Cell-Positive, IL7R-Related; IMMUNODEFICIENCY 104, SEVERE COMBINED. Identifiers: MedGen C5676890, MONDO:0012163, OMIM 608971.

Allele frequency attached by ClinVar (database versions not stated): gnomAD exomes below 0.00001; TOPMed below 0.00001; gnomAD 0.00001.
gnomAD v4.1: 2 of 1,610,868 alleles (0.00012%); highest among the groups gnomAD compares: Non-Finnish European, 0.00017%; no homozygotes.

Submission:

Labcorp Genetics (formerly Invitae), Labcorp
Classification: Uncertain significance for Immunodeficiency 104. Last evaluated: 2021-08-30. Review status: criteria provided, single submitter. Criteria: Invitae Variant Classification Sherloc (09022015). Collection method: clinical testing. Allele origin: germline.
Comment: This sequence change replaces leucine with valine at codon 612 of the PTPRC protein (p.Leu612Val). The leucine residue is highly conserved and there is a small physicochemical difference between leucine and valine. This variant is not present in population databases (ExAC no frequency). This variant has not been reported in the literature in individuals affected with PTPRC-related conditions. Algorithms developed to predict the effect of missense changes on protein structure and function are either unavailable or do not agree on the potential impact of this missense change (SIFT: "Deleterious"; PolyPhen-2: "Benign"; Align-GVGD: "Class C15"). In summary, the available evidence is currently insufficient to determine the role of this variant in disease. Therefore, it has been classified as a Variant of Uncertain Significance.